The following is an entry in ClinVar:

ClinVar aggregate classification (germline): Pathogenic (1 of 4 stars; one submission).

Conditions:
Hereditary breast ovarian cancer syndrome. Also called: Breast and ovarian cancer; BRCA1- and BRCA2-Associated Hereditary Breast and Ovarian Cancer; Hereditary breast and ovarian cancer; Hereditary breast and/or ovarian cancer syndrome; Hereditary breast and ovarian cancer syndrome; Hereditary breast and ovarian cancer syndrome (HBOC). Identifiers: Orphanet 145, MedGen C0677776, MeSH D061325, MONDO:0003582. Disease mechanism: loss of function.

Submission:

Labcorp Genetics (formerly Invitae), Labcorp
Classification: Pathogenic for Hereditary breast ovarian cancer syndrome. Last evaluated: 2023-09-05. Review status: criteria provided, single submitter. Criteria: Invitae Variant Classification Sherloc (09022015). Collection method: clinical testing. Allele origin: germline.
Comment: For these reasons, this variant has been classified as Pathogenic. This premature translational stop signal has been observed in individual(s) with breast and/or ovarian cancer (PMID: 9667259, 26187060, 26848529). This variant is not present in population databases (gnomAD no frequency). This sequence change creates a premature translational stop signal (p.Tyr2215*) in the BRCA2 gene. It is expected to result in an absent or disrupted protein product. Loss-of-function variants in BRCA2 are known to be pathogenic (PMID: 20104584).

Literature cited by the submitters: PubMed 9667259; PubMed 26187060; PubMed 26848529; PubMed 20104584.

NM_000059.4(BRCA2):c.6645C>A (p.Tyr2215Ter)

Gene: BRCA2 (BRCA2 DNA repair associated; plus strand). Cytogenetic location: 13q13.1.
Variant type: single nucleotide variant.
Coding change: c.6645C>A on transcript NM_000059.4 (MANE Select); coding-DNA position 6645, C replaced by A.
Protein change: p.Tyr2215Ter; replaces tyrosine 2215 with a stop codon.
Molecular consequence: nonsense. On other transcripts: non-coding transcript variant (1), intron variant (2).
Genome position (GRCh38, 1-based): chr13:32,341,000, C>A. VCF-style: chr13-32341000-C-A. GRCh37 (hg19) VCF-style: chr13-32915137-C-A.
Other names: c.6645C>A, p.Tyr2215Ter (NM_001406719.1, NM_001406720.1); c.1910-3558C>A (NM_001406721.1); c.425-3558C>A (NM_001406722.1); short protein forms Y2215*.
Identifiers: ClinVar variation 2912371 (VCV002912371.3), dbSNP rs80358892, ClinGen allele CA387790368.